The following is an entry in ClinVar:

ClinVar aggregate classification (germline): Uncertain significance (1 of 4 stars; one submission).

Submission:

GeneDx
Classification: Uncertain significance. Last evaluated: 2026-01-29. Review status: criteria provided, single submitter. Criteria: GeneDx Variant Classification Process June 2021. Collection method: clinical testing. Allele origin: germline.
Comment: Not observed at significant frequency in large population cohorts (gnomAD); In silico analysis supports that this missense variant has a deleterious effect on protein structure/function; Has not been previously published as pathogenic or benign to our knowledge

NM_000384.3(APOB):c.4415A>T (p.Asp1472Val)

Gene: APOB (apolipoprotein B; minus strand). Cytogenetic location: 2p24.1.
Variant type: single nucleotide variant.
Coding change: c.4415A>T on transcript NM_000384.3 (MANE Select); coding-DNA position 4415, A replaced by T.
Protein change: p.Asp1472Val; replaces aspartic acid 1472 with valine.
Molecular consequence: missense variant.
Genome position (GRCh38, 1-based): chr2:21,012,453, T>A on the plus strand (A>T on the coding strand, the complement: APOB is on the minus strand). VCF-style: chr2-21012453-T-A. GRCh37 (hg19) VCF-style: chr2-21235325-T-A.
Other names: short protein forms D1472V.
Identifiers: ClinVar variation 4685392 (VCV004685392.2).